The following is an entry in ClinVar:

ClinVar aggregate classification (germline): Uncertain significance (1 of 4 stars; one submission).

Conditions:
Neuroblastoma, susceptibility to, 3. Also called: ALK-Related Neuroblastic Tumor Susceptibility. Identifiers: Orphanet 635, MedGen C2751681, MONDO:0013083, OMIM 613014.

Submission:

Labcorp Genetics (formerly Invitae), Labcorp
Classification: Uncertain significance for Neuroblastoma, susceptibility to, 3. Last evaluated: 2021-12-17. Review status: criteria provided, single submitter. Criteria: Invitae Variant Classification Sherloc (09022015). Collection method: clinical testing. Allele origin: germline.
Comment: In summary, the available evidence is currently insufficient to determine the role of this variant in disease. Therefore, it has been classified as a Variant of Uncertain Significance. Algorithms developed to predict the effect of sequence changes on RNA splicing suggest that this variant may disrupt the consensus splice site. This variant has not been reported in the literature in individuals affected with ALK-related conditions. This variant is not present in population databases (gnomAD no frequency). This variant results in the deletion of part of exon 12 (c.2042-65_2074delinsTCTGA) of the ALK gene. It is expected to disrupt RNA splicing. Variants that disrupt the donor or acceptor splice site typically lead to a loss of protein function (PMID: 16199547), however the current clinical and genetic evidence is not sufficient to establish whether loss-of-function variants in ALK cause disease.

Literature cited by the submitters: PubMed 16199547.

NM_004304.5(ALK):c.2042-65_2074delinsTCTGA

Gene: ALK (ALK receptor tyrosine kinase; minus strand). Cytogenetic location: 2p23.2.
Variant type: Indel.
Coding change: c.2042-65_2074delinsTCTGA on transcript NM_004304.5 (MANE Select); 65 bases into the intron before coding-DNA position 2042 through coding-DNA position 2074, the reference bases replaced by TCTGA.
Molecular consequence: splice acceptor variant.
Genome position (GRCh38, 1-based): chr2:29,251,235-29,251,332, 98 bases replaced. GRCh37 (hg19): chr2:29,474,101-29,474,198.
Identifiers: ClinVar variation 2044600 (VCV002044600.4), dbSNP rs2465291245, ClinGen allele CA2580066330.